The following is an entry in ClinVar:

ClinVar aggregate classification (germline): Likely benign. Review status: criteria provided, multiple submitters, no conflicts (2 of 4 stars). 3 submissions from 3 submitters: Likely benign (3). Last evaluated 2026-02-03.

Conditions:
Pheochromocytoma/paraganglioma syndrome 5. Also called: SDHA-Related Hereditary Paraganglioma-Pheochromocytoma Syndrome; Paragangliomas 5. Identifiers: Orphanet 29072, MedGen C3279992, MONDO:0013602, OMIM 614165.
Mitochondrial complex II deficiency, nuclear type 1. Also called: SUCCINATE CoQ REDUCTASE DEFICIENCY. Identifiers: Orphanet 3208, MedGen C5700310, MONDO:0100294, OMIM 252011.

Allele frequency attached by ClinVar (database versions not stated): gnomAD 0.00001.
gnomAD v4.1: 10 of 1,613,900 alleles (0.00062%); highest among the groups gnomAD compares: Middle Eastern, 0.017%; no homozygotes.

Submissions (3):

Labcorp Genetics (formerly Invitae), Labcorp
Classification: Likely benign for Pheochromocytoma/paraganglioma syndrome 5; Mitochondrial complex II deficiency, nuclear type 1. Last evaluated: 2026-02-03. Review status: criteria provided, single submitter. Criteria: Invitae Variant Classification Sherloc (09022015). Collection method: clinical testing. Allele origin: germline.

Myriad Genetics, Inc.
Classification: Likely benign for Pheochromocytoma/paraganglioma syndrome 5. Last evaluated: 2025-03-03. Review status: criteria provided, single submitter. Criteria: Myriad Autosomal Dominant, Autosomal Recessive and X-Linked Classification Criteria (2023). Collection method: clinical testing. Allele origin: unknown.
Comment: This variant is considered likely benign. This variant is intronic and is not expected to impact mRNA splicing.

Blueprint Genetics
Classification: Likely benign. Last evaluated: 2023-11-23. Review status: criteria provided, single submitter. Criteria: ACMG Guidelines, 2015. Collection method: clinical testing. Allele origin: germline.

NM_004168.4(SDHA):c.621+9G>A

Gene: SDHA (succinate dehydrogenase complex flavoprotein subunit A; plus strand). Cytogenetic location: 5p15.33.
Variant type: single nucleotide variant.
Coding change: c.621+9G>A on transcript NM_004168.4 (MANE Select); 9 bases into the intron after coding-DNA position 621, G replaced by A.
Molecular consequence: intron variant.
Genome position (GRCh38, 1-based): chr5:226,056, G>A. VCF-style: chr5-226056-G-A. GRCh37 (hg19) VCF-style: chr5-226171-G-A.
Other names: c.621+9G>A (NM_001330758.2); c.477+9G>A (NM_001294332.2).
Identifiers: ClinVar variation 417245 (VCV000417245.14), dbSNP rs1060505005, ClinGen allele CA16612052.